The following is an entry in ClinVar:

ClinVar aggregate classification (germline): Uncertain significance (1 of 4 stars; one submission).

Conditions:
Thrombophilia due to protein C deficiency, autosomal dominant. Also called: PROC DEFICIENCY, AUTOSOMAL DOMINANT; PROTEIN C DEFICIENCY, AUTOSOMAL DOMINANT. Identifiers: Orphanet 745, MedGen C2674321, MONDO:0008316, OMIM 176860. Disease mechanism: loss of function.

Submission:

Labcorp Genetics (formerly Invitae), Labcorp
Classification: Uncertain significance for Thrombophilia due to protein C deficiency, autosomal dominant. Last evaluated: 2018-09-25. Review status: criteria provided, single submitter. Criteria: Invitae Variant Classification Sherloc (09022015). Collection method: clinical testing. Allele origin: germline.
Comment: In summary, the available evidence is currently insufficient to determine the role of this variant in disease. Therefore, it has been classified as a Variant of Uncertain Significance. Algorithms developed to predict the effect of missense changes on protein structure and function (SIFT, PolyPhen-2, Align-GVGD) all suggest that this variant is likely to be tolerated, but these predictions have not been confirmed by published functional studies and their clinical significance is uncertain. This variant has been observed on the opposite chromosome (in trans) from a pathogenic variant in individuals affected with protein C deficiency (Invitae). This finding is consistent with autosomal recessive inheritance, and suggests that this variant contributes to disease. This variant is not present in population databases (ExAC no frequency). This sequence change replaces phenylalanine with leucine at codon 130 of the PROC protein (p.Phe130Leu). The phenylalanine residue is moderately conserved and there is a small physicochemical difference between phenylalanine and leucine.

NM_000312.4(PROC):c.388T>C (p.Phe130Leu)

Gene: PROC (protein C, inactivator of coagulation factors Va and VIIIa; plus strand). Cytogenetic location: 2q14.3.
Variant type: single nucleotide variant.
Coding change: c.388T>C on transcript NM_000312.4 (MANE Select); coding-DNA position 388, T replaced by C.
Protein change: p.Phe130Leu; replaces phenylalanine 130 with leucine.
Molecular consequence: missense variant. On other transcripts: synonymous variant (1).
Genome position (GRCh38, 1-based): chr2:127,423,159, T>C. VCF-style: chr2-127423159-T-C. GRCh37 (hg19) VCF-style: chr2-128180735-T-C.
Other names: c.571T>C, p.Phe191Leu (NM_001375602.1); c.451T>C, p.Phe151Leu (NM_001375603.1, NM_001375604.1); c.388T>C, p.Phe130Leu (NM_001375605.1, NM_001375608.1, NM_001375611.1 and 1 more transcripts); c.364T>C, p.Phe122Leu (NM_001375609.1); c.382T>C, p.Phe128Leu (NM_001375610.1); c.543T>C, p.Ala181= (NM_001375606.1); c.472T>C, p.Phe158Leu (NM_001375607.1); short protein forms F130L, F122L, F128L, F151L, F158L, F191L.
Identifiers: ClinVar variation 568123 (VCV000568123.9), dbSNP rs1558713430, ClinGen allele CA348399178.